The following is an entry in ClinVar:

ClinVar aggregate classification (germline): Pathogenic/Likely pathogenic. Review status: criteria provided, multiple submitters, no conflicts (2 of 4 stars). 2 submissions from 2 submitters: Pathogenic (1); Likely pathogenic (1). Last evaluated 2025-07-31.

Conditions:
KBG syndrome (KBGS). Also called: ANKRD11-Related KBG Syndrome. Identifiers: Orphanet 2332, MedGen C0220687, MONDO:0007846, OMIM 148050.

Submissions (2):

Variantyx, Inc.
Classification: Likely pathogenic for KBG syndrome. Last evaluated: 2025-07-31. Review status: criteria provided, single submitter. Criteria: Variantyx Assertion Criteria 2022. Collection method: clinical testing. Allele origin: germline. Inheritance: Autosomal dominant inheritance. Affected: yes.
Comment: This is a frameshift variant in the ANKRD11 gene (OMIM: 611192). Pathogenic variants in this gene have been associated with autosomal dominant KBG syndrome. This variant introduces a premature termination codon in exon 9 out of 13 and is expected to result in loss of function, which is a known disease mechanism for ANKRD11 in this disorder (PMID: 21782149, 35330407, 28422132) (PVS1). This variant is absent from control populations (PM2) and it has not been reported in individuals with ANKRD11-related disorders in the databases available for review. Based on the current evidence, this variant is classified as likely pathogenic for autosomal dominant KBG syndrome.

Labcorp Genetics (formerly Invitae), Labcorp
Classification: Pathogenic for KBG syndrome. Last evaluated: 2025-05-05. Review status: criteria provided, single submitter. Criteria: Invitae Variant Classification Sherloc (09022015). Collection method: clinical testing. Allele origin: germline.
Comment: This sequence change creates a premature translational stop signal (p.Lys633Glnfs*19) in the ANKRD11 gene. It is expected to result in an absent or disrupted protein product. Loss-of-function variants in ANKRD11 are known to be pathogenic (PMID: 21782149, 25125236, 25413698, 25652421). This variant is not present in population databases (gnomAD no frequency). This variant has not been reported in the literature in individuals affected with ANKRD11-related conditions. For these reasons, this variant has been classified as Pathogenic.

Literature cited by the submitters: PubMed 21782149 (cited by Variantyx, Inc. and Labcorp Genetics (formerly Invitae), Labcorp); PubMed 35330407 (cited by Variantyx, Inc.); PubMed 28422132 (cited by Variantyx, Inc.); PubMed 25125236 (cited by Labcorp Genetics (formerly Invitae), Labcorp); PubMed 25413698 (cited by Labcorp Genetics (formerly Invitae), Labcorp); PubMed 25652421 (cited by Labcorp Genetics (formerly Invitae), Labcorp).

NM_013275.6(ANKRD11):c.1897_1900del (p.Lys633fs)

Gene: ANKRD11 (ankyrin repeat domain 11; minus strand). Cytogenetic location: 16q24.3.
Variant type: Deletion.
Coding change: c.1897_1900del on transcript NM_013275.6 (MANE Select); coding-DNA positions 1897 to 1900, 4 bases deleted (AAAA; older notation c.1897_1900delAAAA).
Protein change: p.Lys633fs; shifts the reading frame from lysine 633.
Molecular consequence: frameshift variant.
Genome position (GRCh38, 1-based): chr16:89,284,642-89,284,645, TTTT deleted on the plus strand (AAAA on the coding strand, the reverse complement: ANKRD11 is on the minus strand). VCF-style (leftmost placement, unchanged base first): chr16-89284641-GTTTT-G. GRCh37 (hg19) VCF-style: chr16-89351049-GTTTT-G.
Other names: c.1897_1900del, p.Lys633fs (NM_001256182.2, NM_001256183.2); short protein forms K633fs.
Identifiers: ClinVar variation 4718445 (VCV004718445.2).